The following is an entry in ClinVar:

ClinVar aggregate classification (germline): Conflicting classifications of pathogenicity. Review status: criteria provided, conflicting classifications (1 of 4 stars). 3 submissions from 3 submitters: Uncertain significance (2); Likely benign (1). Last evaluated 2025-09-05.

Conditions:
Inborn genetic diseases. Identifiers: MedGen C0950123, MeSH D030342.

Allele frequency attached by ClinVar (database versions not stated): gnomAD exomes 0.00008; ExAC 0.00013; gnomAD 0.00030 and 0.00031; ESP Exome Variant Server 0.00031; TOPMed 0.00040; 1000 Genomes Project 0.00060; 1000 Genomes Project 30x 0.00109.
gnomAD v4.1: 92 of 1,613,130 alleles (0.0057%); highest among the groups gnomAD compares: African/African-American, 0.11%; no homozygotes.

Submissions (3):

Labcorp Genetics (formerly Invitae), Labcorp
Classification: Uncertain significance. Last evaluated: 2025-09-05. Review status: criteria provided, single submitter. Criteria: Invitae Variant Classification Sherloc (09022015). Collection method: clinical testing. Allele origin: germline.
Comment: This sequence change replaces isoleucine, which is neutral and non-polar, with methionine, which is neutral and non-polar, at codon 47 of the KLHL7 protein (p.Ile47Met). This variant is present in population databases (rs139162761, gnomAD 0.1%). This variant has not been reported in the literature in individuals affected with KLHL7-related conditions. ClinVar contains an entry for this variant (Variation ID: 965778). An algorithm developed to predict the effect of missense changes on protein structure and function (PolyPhen-2) suggests that this variant is likely to be disruptive. In summary, the available evidence is currently insufficient to determine the role of this variant in disease. Therefore, it has been classified as a Variant of Uncertain Significance.

Ambry Genetics
Classification: Uncertain significance for Inborn genetic diseases. Last evaluated: 2025-08-27. Review status: criteria provided, single submitter. Criteria: Ambry Variant Classification Scheme 2023. Collection method: clinical testing. Allele origin: germline.

Blueprint Genetics
Classification: Likely benign. Last evaluated: 2024-09-13. Review status: criteria provided, single submitter. Criteria: ACMG Guidelines, 2015. Collection method: clinical testing. Allele origin: germline.

NM_001031710.3(KLHL7):c.141C>G (p.Ile47Met)

Gene: KLHL7 (kelch like family member 7; plus strand). Cytogenetic location: 7p15.3.
Variant type: single nucleotide variant.
Coding change: c.141C>G on transcript NM_001031710.3 (MANE Select); coding-DNA position 141, C replaced by G.
Protein change: p.Ile47Met; replaces isoleucine 47 with methionine.
Molecular consequence: missense variant. On other transcripts: 5 prime UTR variant (1), non-coding transcript variant (2).
Genome position (GRCh38, 1-based): chr7:23,123,797, C>G. VCF-style: chr7-23123797-C-G. GRCh37 (hg19) VCF-style: chr7-23163416-C-G.
Other names: c.141C>G, p.Ile47Met (NM_001172428.2); c.-4C>G (NM_018846.5); short protein forms I47M.
Identifiers: ClinVar variation 965778 (VCV000965778.10), dbSNP rs139162761, ClinGen allele CA4186301.